The following is an entry in ClinVar:

NM_007294.4(BRCA1):c.367del (p.Ser123fs)

Gene: BRCA1 (BRCA1 DNA repair associated; minus strand). Cytogenetic location: 17q21.31.
Variant type: Deletion.
Coding change: c.367del on transcript NM_007294.4 (MANE Select); coding-DNA position 367, one base deleted (T; older notation c.367delT).
Protein change: p.Ser123fs; shifts the reading frame from serine 123.
Molecular consequence: frameshift variant. On other transcripts: 5 prime UTR variant (7), intron variant (2).
Genome position (GRCh38, 1-based): chr17:43,104,196, A deleted on the plus strand (T on the coding strand, the reverse complement: BRCA1 is on the minus strand); the first of 3 consecutive A bases (chr17:43,104,196-43,104,198); deleting any one gives the same sequence. VCF-style (leftmost placement, unchanged base first): chr17-43104195-GA-G. GRCh37 (hg19) VCF-style: chr17-41256212-GA-G.
Other names: c.367del, p.Ser123fs (NM_001407863.1, NM_001407919.1, NM_001407620.1 and 164 more transcripts); c.226del, p.Ser76fs (NM_001407920.1, NM_001407925.1, NM_001407924.1 and 99 more transcripts); c.157del, p.Ser53fs (NM_001407894.1, NM_001407895.1, NM_001407896.1 and 58 more transcripts); c.-15del (NM_001407959.1, NM_001407960.1, NM_001407962.1 and 4 more transcripts); c.358del, p.Ser120fs (NM_001408408.1, NM_001407646.1, NM_001407647.1); c.289del, p.Ser97fs (NM_001408409.1, NM_001408411.1, NM_001408412.1 and 21 more transcripts); c.235del, p.Ser79fs (NM_001408451.1); c.-218-9336del (NM_001407967.1, NM_001407966.1); and 1 more; short protein forms S120fs, S123fs, S53fs, S76fs, S79fs, S97fs.
Identifiers: ClinVar variation 3481893 (VCV003481893.3).

ClinVar aggregate classification (germline): Pathogenic. Review status: criteria provided, multiple submitters, no conflicts (2 of 4 stars). 2 submissions from 2 submitters: Pathogenic (2). Last evaluated 2024-11-21.

Conditions:
Hereditary cancer-predisposing syndrome. Also called: Tumor predisposition; Neoplastic Syndromes, Hereditary; Hereditary Cancer Syndrome; Hereditary neoplastic syndrome. Identifiers: Orphanet 140162, MedGen C0027672, MeSH D009386, MONDO:0015356.
Hereditary breast ovarian cancer syndrome. Also called: Hereditary breast and ovarian cancer; Breast and ovarian cancer; Hereditary breast and/or ovarian cancer syndrome; Hereditary breast and ovarian cancer syndrome; BRCA1- and BRCA2-Associated Hereditary Breast and Ovarian Cancer; Hereditary breast and ovarian cancer syndrome (HBOC). Identifiers: Orphanet 145, MedGen C0677776, MeSH D061325, MONDO:0003582. Disease mechanism: loss of function.

Submissions (2):

Ambry Genetics
Classification: Pathogenic for Hereditary cancer-predisposing syndrome. Last evaluated: 2024-11-21. Review status: criteria provided, single submitter. Criteria: Ambry Variant Classification Scheme 2023. Collection method: clinical testing. Allele origin: germline.
Comment: The c.367delT pathogenic mutation, located in coding exon 5 of the BRCA1 gene, results from a deletion of one nucleotide at nucleotide position 367, causing a translational frameshift with a predicted alternate stop codon (p.S123Lfs*40). This variant is considered to be rare based on population cohorts in the Genome Aggregation Database (gnomAD). This alteration is expected to result in loss of function by premature protein truncation or nonsense-mediated mRNA decay. As such, this alteration is interpreted as a disease-causing mutation.

Labcorp Genetics (formerly Invitae), Labcorp
Classification: Pathogenic for Hereditary breast ovarian cancer syndrome. Last evaluated: 2024-09-11. Review status: criteria provided, single submitter. Criteria: Invitae Variant Classification Sherloc (09022015). Collection method: clinical testing. Allele origin: germline.
Comment: This sequence change creates a premature translational stop signal (p.Ser123Leufs*40) in the BRCA1 gene. It is expected to result in an absent or disrupted protein product. Loss-of-function variants in BRCA1 are known to be pathogenic (PMID: 20104584). This variant is not present in population databases (gnomAD no frequency). This premature translational stop signal has been observed in individual(s) with breast cancer (PMID: 32341426). For these reasons, this variant has been classified as Pathogenic.

Literature cited by the submitters: PubMed 20104584 (cited by Labcorp Genetics (formerly Invitae), Labcorp); PubMed 32341426 (cited by Labcorp Genetics (formerly Invitae), Labcorp).